The following is an entry in ClinVar:

NM_012120.3(CD2AP):c.1181C>A (p.Pro394Gln)

Gene: CD2AP (CD2 associated protein; plus strand). Cytogenetic location: 6p12.3.
Variant type: single nucleotide variant.
Coding change: c.1181C>A on transcript NM_012120.3 (MANE Select); coding-DNA position 1181, C replaced by A.
Protein change: p.Pro394Gln; replaces proline 394 with glutamine.
Molecular consequence: missense variant.
Genome position (GRCh38, 1-based): chr6:47,595,933, C>A. VCF-style: chr6-47595933-C-A. GRCh37 (hg19) VCF-style: chr6-47563669-C-A.
Other names: short protein forms P394Q.
Identifiers: ClinVar variation 357172 (VCV000357172.13), dbSNP rs141881558, ClinGen allele CA3844247.
Genomic context (GRCh38, chr6:47,595,933, plus strand): 5'-CACTGGAACAGAAACCTTCTAAACCAGCAGCTCCACAAGTCCCACCCAAGAAACCTACTC[C>A]ACCTACCAAAGCCAGTAATTTACTGAGATCTTCTGGAACAGTGTACCCAAAGCGACCTGA-3'
Protein context (NP_036252.1, residues 384-404): APQVPPKKPT[Pro394Gln]PTKASNLLRS

ClinVar aggregate classification (germline): Benign/Likely benign. Review status: criteria provided, multiple submitters, no conflicts (2 of 4 stars). 3 submissions from 3 submitters: Benign (1); Likely benign (2). Last evaluated 2025-12-15.

Conditions:
CD2AP-related disorder. Also called: CD2AP-related condition.
Focal segmental glomerulosclerosis 3, susceptibility to (FSGS3). Identifiers: Orphanet 656, MedGen C1842982, MONDO:0011917, OMIM 607832.

Allele frequency attached by ClinVar (database versions not stated): gnomAD exomes 0.00010 and 0.00023; ExAC 0.00028; ESP Exome Variant Server 0.00062; gnomAD 0.00092 and 0.00098; TOPMed 0.00104; 1000 Genomes Project 0.00140; 1000 Genomes Project 30x 0.00141.

Submissions (3):

Labcorp Genetics (formerly Invitae), Labcorp
Classification: Likely benign. Last evaluated: 2025-12-15. Review status: criteria provided, single submitter. Criteria: Invitae Variant Classification Sherloc (09022015). Collection method: clinical testing. Allele origin: germline.

PreventionGenetics, part of Exact Sciences
Classification: Likely benign for CD2AP-related condition. Last evaluated: 2025-09-11. Review status: criteria provided, single submitter. Criteria: ACMG Guidelines, 2015. Collection method: clinical testing. Allele origin: germline.
Comment: This variant is classified as likely benign based on ACMG/AMP sequence variant interpretation guidelines (Richards et al. 2015 PMID: 25741868, with internal and published modifications).

Illumina Laboratory Services, Illumina
Classification: Benign for Focal segmental glomerulosclerosis 3, susceptibility to. Last evaluated: 2018-01-13. Review status: criteria provided, single submitter. Criteria: ICSL Variant Classification Criteria 13 December 2019. Collection method: clinical testing. Allele origin: germline.
Comment: This variant was observed in the ICSL laboratory as part of a predisposition screen in an ostensibly healthy population. It had not been previously curated by ICSL or reported in the Human Gene Mutation Database (HGMD: prior to June 1st, 2018), and was therefore a candidate for classification through an automated scoring system. Utilizing variant allele frequency, disease prevalence and penetrance estimates, and inheritance mode, an automated score was calculated to assess if this variant is too frequent to cause the disease. Based on the score and internal cut-off values, a variant classified as benign is not then subjected to further curation. The score for this variant resulted in a classification of benign for this disease.